The following is an entry in ClinVar:

NC_000005.10:g.(?_177600191)_(178153837_?)dup

Genes: B4GALT7 (beta-1,4-galactosyltransferase 7; plus strand), N4BP3 (NEDD4 binding protein 3; plus strand), NHP2 (NHP2 ribonucleoprotein; minus strand), FAM153A (family with sequence similarity 153 member A; minus strand), PROP1 (PROP paired-like homeobox 1; minus strand) and 1 more. Cytogenetic location: 5q35.3.
Variant type: Duplication.
Identifiers: ClinVar variation 831880 (VCV000831880.2).

ClinVar aggregate classification (germline): Uncertain significance (1 of 4 stars; one submission).

Conditions:
Dyskeratosis congenita. Identifiers: Orphanet 1775, MedGen C0265965, MONDO:0015780.

Submission:

Labcorp Genetics (formerly Invitae), Labcorp
Classification: Uncertain significance for Dyskeratosis congenita. Last evaluated: 2019-09-13. Review status: criteria provided, single submitter. Criteria: Invitae Variant Classification Sherloc (09022015). Collection method: clinical testing. Allele origin: germline.
Comment: This variant results in a copy number gain of the genomic region encompassing the full coding sequence of the NHP2 gene. The boundaries of this event are unknown as they extend beyond the assayed region for this gene and therefore may encompass additional genes. As the precise location of this event is unknown, it may be in tandem or it may be located elsewhere in the genome. This variant has not been reported in the literature in individuals with NHP2-related conditions. In summary, the available evidence is currently insufficient to determine the role of this variant in disease. Therefore, it has been classified as a Variant of Uncertain Significance.